The following is an entry in ClinVar:

ClinVar aggregate classification (germline): Uncertain significance (1 of 4 stars; one submission).

Conditions:
PURA-related severe neonatal hypotonia-seizures-encephalopathy syndrome (NEDRIHF). Also called: PURA-Related Neurodevelopmental Disorders; NEURODEVELOPMENTAL DISORDER WITH NEONATAL RESPIRATORY INSUFFICIENCY, HYPOTONIA, AND FEEDING DIFFICULTIES. Identifiers: Orphanet 438213, Orphanet 438216, MedGen C4015357, MONDO:1060108, OMIM 616158, MONDO:0018580.

Submission:

Labcorp Genetics (formerly Invitae), Labcorp
Classification: Uncertain significance for PURA-related severe neonatal hypotonia-seizures-encephalopathy syndrome. Last evaluated: 2024-02-15. Review status: criteria provided, single submitter. Criteria: Invitae Variant Classification Sherloc (09022015). Collection method: clinical testing. Allele origin: germline.
Comment: This sequence change affects codon 74 of the PURA mRNA. It is a 'silent' change, meaning that it does not change the encoded amino acid sequence of the PURA protein. This variant is present in population databases (rs751461771, gnomAD 0.007%). This variant has not been reported in the literature in individuals affected with PURA-related conditions. In summary, the available evidence is currently insufficient to determine the role of this variant in disease. Therefore, it has been classified as a Variant of Uncertain Significance.

NM_005859.5(PURA):c.222C>T (p.Tyr74=)

Gene: PURA (purine rich element binding protein A; plus strand). Cytogenetic location: 5q31.3.
Variant type: single nucleotide variant.
Coding change: c.222C>T on transcript NM_005859.5 (MANE Select); coding-DNA position 222, C replaced by T.
Protein change: p.Tyr74=; no amino-acid change (tyrosine 74 retained).
Molecular consequence: synonymous variant.
Genome position (GRCh38, 1-based): chr5:140,114,403, C>T. VCF-style: chr5-140114403-C-T. GRCh37 (hg19) VCF-style: chr5-139493988-C-T.
Identifiers: ClinVar variation 3677631 (VCV003677631.2).